The following is an entry in ClinVar:

ClinVar aggregate classification (germline): Likely benign. Review status: criteria provided, multiple submitters, no conflicts (2 of 4 stars). 2 submissions from 2 submitters: Likely benign (2). Last evaluated 2026-05-26.

Conditions:
Gastrointestinal stromal tumor. Also called: Gastrointestinal stromal tumor, somatic; Gastrointestinal stroma tumor. Identifiers: Orphanet 44890, MedGen C0238198, MeSH D046152, MONDO:0011719, OMIM 606764, HP:0100723.

Allele frequency attached by ClinVar (database versions not stated): gnomAD below 0.00001 and 0.00001; gnomAD exomes 0.00001 and 0.00002; ExAC 0.00003.
gnomAD v4.1: 20 of 1,588,382 alleles (0.0013%); highest among the groups gnomAD compares: South Asian, 0.022%; no homozygotes.

Submissions (2):

Myriad Genetics, Inc.
Classification: Likely benign for Gastrointestinal stromal tumor. Last evaluated: 2026-05-26. Review status: criteria provided, single submitter. Criteria: Myriad Autosomal Dominant, Autosomal Recessive and X-Linked Classification Criteria (2023). Collection method: clinical testing. Allele origin: unknown.
Comment: This variant is considered likely benign. This variant is intronic and is not expected to impact mRNA splicing.

Labcorp Genetics (formerly Invitae), Labcorp
Classification: Likely benign for Gastrointestinal stromal tumor. Last evaluated: 2025-11-27. Review status: criteria provided, single submitter. Criteria: Invitae Variant Classification Sherloc (09022015). Collection method: clinical testing. Allele origin: germline.

NM_000222.3(KIT):c.1115+10G>A

Gene: KIT (KIT proto-oncogene, receptor tyrosine kinase; plus strand). Cytogenetic location: 4q12.
Variant type: single nucleotide variant.
Coding change: c.1115+10G>A on transcript NM_000222.3 (MANE Select); 10 bases into the intron after coding-DNA position 1115, G replaced by A.
Molecular consequence: intron variant.
Genome position (GRCh38, 1-based): chr4:54,707,297, G>A. VCF-style: chr4-54707297-G-A. GRCh37 (hg19) VCF-style: chr4-55573463-G-A.
Other names: c.1118+10G>A (NM_001385284.1, NM_001385290.1, NM_001385288.1 and 1 more transcripts); c.1115+10G>A (NM_001385285.1, NM_001093772.2, NM_001385286.1).
Identifiers: ClinVar variation 764262 (VCV000764262.12), dbSNP rs780833633, ClinGen allele CA2923366.